The following is an entry in ClinVar:

NM_000290.4(PGAM2):c.707A>C (p.Glu236Ala)

Genes: DBNL (drebrin like; plus strand), PGAM2 (phosphoglycerate mutase 2; minus strand). Cytogenetic location: 7p13.
Variant type: single nucleotide variant.
Coding change: c.707A>C on transcript NM_000290.4 (MANE Select); coding-DNA position 707, A replaced by C.
Protein change: p.Glu236Ala; replaces glutamic acid 236 with alanine.
Molecular consequence: missense variant. On other transcripts: 3 prime UTR variant (6).
Genome position (GRCh38, 1-based): chr7:44,062,819, T>G on the plus strand (A>C on the coding strand, the complement: PGAM2 is on the minus strand). VCF-style: chr7-44062819-T-G. GRCh37 (hg19) VCF-style: chr7-44102418-T-G.
Other names: c.*1903T>G (NM_001014436.3, NM_001122956.2, NM_001284313.2 and 3 more transcripts); short protein forms E236A.
Identifiers: ClinVar variation 440991 (VCV000440991.55), dbSNP rs140230479, ClinGen allele CA4236494.

ClinVar aggregate classification (germline): Conflicting classifications of pathogenicity. Review status: criteria provided, conflicting classifications (1 of 4 stars). 4 submissions from 4 submitters: Uncertain significance (1); Likely benign (2). 1 of the submissions does not count toward it. Last evaluated 2026-01-20.

Conditions:
PGAM2-related disorder. Also called: PGAM2-related condition.
Glycogen storage disease type X (GSD10). Also called: Dimauro disease; PGAMM DEFICIENCY; PHOSPHOGLYCERATE MUTASE, MUSCLE, DEFICIENCY OF; Glycogen storage disease due to phosphoglycerate mutase deficiency; GSD X; MYOPATHY DUE TO PHOSPHOGLYCERATE MUTASE DEFICIENCY. Identifiers: Orphanet 97234, MedGen C0268149, MONDO:0009865, OMIM 261670.

Allele frequency attached by ClinVar (database versions not stated): 1000 Genomes Project 30x 0.00016; 1000 Genomes Project 0.00020; gnomAD 0.00022 and 0.00032; TOPMed 0.00030; ESP Exome Variant Server 0.00038; gnomAD exomes 0.00047 and 0.00070; ExAC 0.00080.
gnomAD v4.1: 741 of 1,614,202 alleles (0.046%); highest among the groups gnomAD compares: Middle Eastern, 1.3%; 9 homozygotes.

Submissions (4):

Labcorp Genetics (formerly Invitae), Labcorp
Classification: Likely benign for Glycogen storage disease type X. Last evaluated: 2026-01-20. Review status: criteria provided, single submitter. Criteria: Invitae Variant Classification Sherloc (09022015). Collection method: clinical testing. Allele origin: germline.

CeGaT Center for Human Genetics Tuebingen
Classification: Uncertain significance. Last evaluated: 2023-04-01. Review status: criteria provided, single submitter. Criteria: CeGaT Center For Human Genetics Tuebingen Variant Classification Criteria Version 2. Collection method: clinical testing. Allele origin: germline. Affected: yes. Observed: 3 variant alleles.

Illumina Laboratory Services, Illumina
Classification: Likely benign for Glycogen storage disease type X. Last evaluated: 2018-01-13. Review status: criteria provided, single submitter. Criteria: ICSL Variant Classification Criteria 13 December 2019. Collection method: clinical testing. Allele origin: germline.
Comment: This variant was observed in the ICSL laboratory as part of a predisposition screen in an ostensibly healthy population. It had not been previously curated by ICSL or reported in the Human Gene Mutation Database (HGMD: prior to June 1st, 2018), and was therefore a candidate for classification through an automated scoring system. Utilizing variant allele frequency, disease prevalence and penetrance estimates, and inheritance mode, an automated score was calculated to assess if this variant is too frequent to cause the disease. Based on the score and internal cut-off values, a variant classified as likely benign is not then subjected to further curation. The score for this variant resulted in a classification of likely benign for this disease.

PreventionGenetics, part of Exact Sciences
Classification: Likely benign for PGAM2-related condition. Last evaluated: 2022-05-25. Review status: no assertion criteria provided. Collection method: clinical testing. Allele origin: germline. Not counted in ClinVar's aggregate classification.
Comment: This variant is classified as likely benign based on ACMG/AMP sequence variant interpretation guidelines (Richards et al. 2015 PMID: 25741868, with internal and published modifications).